The following is an entry in ClinVar:

NM_001197104.2(KMT2A):c.4480-18_4480del

Gene: KMT2A (lysine methyltransferase 2A; plus strand). Cytogenetic location: 11q23.3.
Variant type: Deletion.
Coding change: c.4480-18_4480del on transcript NM_001197104.2 (MANE Select); 18 bases into the intron before coding-DNA position 4480 through coding-DNA position 4480, 19 bases deleted (CATTATATTTTCTTACAGC).
Molecular consequence: splice acceptor variant.
Genome position (GRCh38, 1-based): chr11:118,489,774-118,489,792, CATTATATTTTCTTACAGC deleted; deleting any 19 consecutive bases within chr11:118,489,772-118,489,792 gives the same sequence; the c. name uses the placement nearest the transcript's 3' end. VCF-style (leftmost placement, unchanged base first): chr11-118489771-TGCCATTATATTTTCTTACA-T. GRCh37 (hg19) VCF-style: chr11-118360486-TGCCATTATATTTTCTTACA-T.
Other names: c.4579-18_4579del (NM_001412597.1); c.4480-18_4480del (NM_005933.4).
Identifiers: ClinVar variation 2841986 (VCV002841986.3), dbSNP rs2496909463, ClinGen allele CA2739271729.

ClinVar aggregate classification (germline): Likely pathogenic (1 of 4 stars; one submission).

Submission:

Labcorp Genetics (formerly Invitae), Labcorp
Classification: Likely pathogenic. Last evaluated: 2023-11-15. Review status: criteria provided, single submitter. Criteria: Invitae Variant Classification Sherloc (09022015). Collection method: clinical testing. Allele origin: germline.
Comment: This variant results in the deletion of part of exon 12 (c.4480-18_4480del) of the KMT2A gene. It is expected to disrupt RNA splicing. Variants that disrupt the donor or acceptor splice site typically lead to a loss of protein function (PMID: 16199547), and loss-of-function variants in KMT2A are known to be pathogenic (PMID: 22795537, 25810209, 29574747). This variant is not present in population databases (gnomAD no frequency). This variant has not been reported in the literature in individuals affected with KMT2A-related conditions. In summary, the currently available evidence indicates that the variant is pathogenic, but additional data are needed to prove that conclusively. Therefore, this variant has been classified as Likely Pathogenic.

Literature cited by the submitters: PubMed 16199547; PubMed 22795537; PubMed 25810209; PubMed 29574747.